The following is an entry in ClinVar:

NM_000052.7(ATP7A):c.1768A>G (p.Arg590Gly)

Gene: ATP7A (ATPase copper transporting alpha; plus strand). Cytogenetic location: Xq21.1.
Variant type: single nucleotide variant.
Coding change: c.1768A>G on transcript NM_000052.7 (MANE Select); coding-DNA position 1768, A replaced by G.
Protein change: p.Arg590Gly; replaces arginine 590 with glycine.
Molecular consequence: missense variant.
Genome position (GRCh38, 1-based): chrX:78,009,162, A>G. VCF-style: chrX-78009162-A-G. GRCh37 (hg19) VCF-style: chrX-77264659-A-G.
Other names: c.1768A>G, p.Arg590Gly (NM_001282224.2); c.1768A>G (NM_000052.4); short protein forms R590G.
Identifiers: ClinVar variation 705791 (VCV000705791.18), dbSNP rs146887876, ClinGen allele CA10459103.

ClinVar aggregate classification (germline): Benign/Likely benign. Review status: criteria provided, multiple submitters, no conflicts (2 of 4 stars). 6 submissions from 6 submitters: Benign (3); Likely benign (1). 2 of the submissions do not count toward it. Last evaluated 2026-02-02.

Conditions:
ATP7A-related disorder. Also called: ATP7A-related condition.
Inborn genetic diseases. Identifiers: MedGen C0950123, MeSH D030342.
Menkes kinky-hair syndrome (MNK). Also called: Menkes Disease; Classic Menkes Disease; Copper transport disease. Identifiers: Orphanet 565, MedGen C0022716, MONDO:0010651, OMIM 309400.
X-linked distal spinal muscular atrophy type 3. Also called: ATP7A-Related Distal Motor Neuropathy; SPINAL MUSCULAR ATROPHY, DISTAL, X-LINKED RECESSIVE; NEURONOPATHY, DISTAL HEREDITARY MOTOR, X-LINKED; NEUROPATHY, DISTAL HEREDITARY MOTOR, X-LINKED. Identifiers: Orphanet 139557, MedGen C1845359, MONDO:0010338, OMIM 300489.
Cutis laxa, X-linked (OHS). Also called: EDS IX; Occipital horn syndrome. Identifiers: Orphanet 198, MedGen C0268353, MONDO:0010572, OMIM 304150.

Allele frequency attached by ClinVar (database versions not stated): gnomAD exomes 0.00011 and 0.00037; ExAC 0.00043; 1000 Genomes Project 30x 0.00104; gnomAD 0.00109 and 0.00117; TOPMed 0.00123; 1000 Genomes Project 0.00132; ESP Exome Variant Server 0.00133.
gnomAD v4.1: 246 of 1,208,128 alleles (0.02%); highest among the groups gnomAD compares: African/African-American, 0.4%; no homozygotes.

Submissions (6):

Labcorp Genetics (formerly Invitae), Labcorp
Classification: Benign for X-linked distal spinal muscular atrophy type 3; Cutis laxa, X-linked; Menkes kinky-hair syndrome. Last evaluated: 2026-02-02. Review status: criteria provided, single submitter. Criteria: Invitae Variant Classification Sherloc (09022015). Collection method: clinical testing. Allele origin: germline.

Blueprint Genetics
Classification: Likely benign. Last evaluated: 2024-02-13. Review status: criteria provided, single submitter. Criteria: ACMG Guidelines, 2015. Collection method: clinical testing. Allele origin: germline.

GeneDx
Classification: Benign. Last evaluated: 2018-07-25. Review status: criteria provided, single submitter. Criteria: GeneDx Variant Classification Process June 2021. Collection method: clinical testing. Allele origin: germline. Affected: yes.

Ambry Genetics
Classification: Benign for Inborn genetic diseases. Last evaluated: 2017-05-31. Review status: criteria provided, single submitter. Criteria: Ambry Variant Classification Scheme 2023. Collection method: clinical testing. Allele origin: germline.

PreventionGenetics, part of Exact Sciences
Classification: Benign for ATP7A-related condition. Last evaluated: 2020-02-05. Review status: no assertion criteria provided. Collection method: clinical testing. Allele origin: germline. Not counted in ClinVar's aggregate classification.
Comment: This variant is classified as benign based on ACMG/AMP sequence variant interpretation guidelines (Richards et al. 2015 PMID: 25741868, with internal and published modifications).

Natera, Inc.
Classification: Uncertain significance for Menkes kinky hair syndrome. Last evaluated: 2020-01-24. Review status: no assertion criteria provided. Collection method: clinical testing. Allele origin: germline. Not counted in ClinVar's aggregate classification.